The following is an entry in ClinVar:

ClinVar aggregate classification (germline): Conflicting classifications of pathogenicity. Review status: criteria provided, conflicting classifications (1 of 4 stars). 3 submissions from 3 submitters: Uncertain significance (1); Likely benign (2). Last evaluated 2025-04-01.

gnomAD v4.1: 41 of 1,614,124 alleles (0.0025%); highest among the groups gnomAD compares: Middle Eastern, 0.016%; no homozygotes.

Submissions (3):

CeGaT Center for Human Genetics Tuebingen
Classification: Likely benign. Last evaluated: 2025-04-01. Review status: criteria provided, single submitter. Criteria: CeGaT Center For Human Genetics Tuebingen Variant Classification Criteria Version 2. Collection method: clinical testing. Allele origin: germline. Affected: yes. Observed: 1 variant allele.
Comment: MCM2: BP4

Ambry Genetics
Classification: Likely benign. Last evaluated: 2025-02-12. Review status: criteria provided, single submitter. Criteria: Ambry Variant Classification Scheme 2023. Collection method: clinical testing. Allele origin: germline.

Labcorp Genetics (formerly Invitae), Labcorp
Classification: Uncertain significance. Last evaluated: 2024-05-31. Review status: criteria provided, single submitter. Criteria: Invitae Variant Classification Sherloc (09022015). Collection method: clinical testing. Allele origin: germline.
Comment: This sequence change replaces asparagine, which is neutral and polar, with serine, which is neutral and polar, at codon 333 of the MCM2 protein (p.Asn333Ser). This variant is present in population databases (rs769240154, gnomAD 0.006%). This variant has not been reported in the literature in individuals affected with MCM2-related conditions. Advanced modeling of protein sequence and biophysical properties (such as structural, functional, and spatial information, amino acid conservation, physicochemical variation, residue mobility, and thermodynamic stability) performed at Invitae indicates that this missense variant is not expected to disrupt MCM2 protein function with a negative predictive value of 80%. In summary, the available evidence is currently insufficient to determine the role of this variant in disease. Therefore, it has been classified as a Variant of Uncertain Significance.

NM_004526.4(MCM2):c.998A>G (p.Asn333Ser)

Gene: MCM2 (minichromosome maintenance complex component 2; plus strand). Cytogenetic location: 3q21.3.
Variant type: single nucleotide variant.
Coding change: c.998A>G on transcript NM_004526.4 (MANE Select); coding-DNA position 998, A replaced by G.
Protein change: p.Asn333Ser; replaces asparagine 333 with serine.
Molecular consequence: missense variant. On other transcripts: non-coding transcript variant (1).
Genome position (GRCh38, 1-based): chr3:127,606,714, A>G. VCF-style: chr3-127606714-A-G. GRCh37 (hg19) VCF-style: chr3-127325557-A-G.
Other names: c.998A>G (NM_004526.2); short protein forms N333S.
Identifiers: ClinVar variation 3627349 (VCV003627349.10).